The following is an entry in ClinVar:

NM_022765.4(MICAL1):c.1414C>T (p.Arg472Trp)

Gene: MICAL1 (microtubule associated monooxygenase, calponin and LIM domain containing 1; minus strand). Cytogenetic location: 6q21.
Variant type: single nucleotide variant.
Coding change: c.1414C>T on transcript NM_022765.4 (MANE Select); coding-DNA position 1414, C replaced by T.
Protein change: p.Arg472Trp; replaces arginine 472 with tryptophan.
Molecular consequence: missense variant.
Genome position (GRCh38, 1-based): chr6:109,449,677, G>A on the plus strand (C>T on the coding strand, the complement: MICAL1 is on the minus strand). VCF-style: chr6-109449677-G-A. GRCh37 (hg19) VCF-style: chr6-109770880-G-A.
Other names: c.1156C>T, p.Arg386Trp (NM_001159291.2); c.1471C>T, p.Arg491Trp (NM_001286613.2); short protein forms R386W, R491W, R472W.
Identifiers: ClinVar variation 2078812 (VCV002078812.26), dbSNP rs146110217, ClinGen allele CA3953414.
Genomic context (GRCh38, chr6:109,449,677, plus strand): 5'-GTTGGCTTGGGAAGGCTGGTGGGTGTGTCGGGGGTCTGACCTGATTGGGGGTCACTGCCC[G>A]GAGGTTCAGGTTGGGGTAGCGGGTGGCTGGGTCCAGCCCATACTGGGCCACATTGCGATG-3'
Protein context (NP_073602.3, residues 462-482): PATRYPNLNL[Arg472Trp]AVTPNQVRDL

ClinVar aggregate classification (germline): Likely benign. Review status: criteria provided, multiple submitters, no conflicts (2 of 4 stars). 2 submissions from 2 submitters: Likely benign (2). Last evaluated 2026-01-13.

Allele frequency attached by ClinVar (database versions not stated): gnomAD 0.00013; gnomAD exomes 0.00014; ExAC 0.00016; 1000 Genomes Project 30x 0.00047; 1000 Genomes Project 0.00060; TOPMed 0.00009.
gnomAD v4.1: 225 of 1,582,998 alleles (0.014%); highest among the groups gnomAD compares: East Asian, 0.12%; no homozygotes.

Submissions (2):

Labcorp Genetics (formerly Invitae), Labcorp
Classification: Likely benign. Last evaluated: 2026-01-13. Review status: criteria provided, single submitter. Criteria: Invitae Variant Classification Sherloc (09022015). Collection method: clinical testing. Allele origin: germline.

CeGaT Center for Human Genetics Tuebingen
Classification: Likely benign. Last evaluated: 2024-01-01. Review status: criteria provided, single submitter. Criteria: CeGaT Center For Human Genetics Tuebingen Variant Classification Criteria Version 2. Collection method: clinical testing. Allele origin: germline. Affected: yes. Observed: 1 variant allele.
Comment: MICAL1: BP4